The following is an entry in ClinVar:

NM_153676.4(USH1C):c.2657A>G (p.Asp886Gly)

Gene: USH1C (USH1 protein network component harmonin; minus strand). Cytogenetic location: 11p15.1.
Variant type: single nucleotide variant.
Coding change: c.2657A>G on transcript NM_153676.4 (MANE Select); coding-DNA position 2657, A replaced by G.
Protein change: p.Asp886Gly; replaces aspartic acid 886 with glycine.
Molecular consequence: missense variant. On other transcripts: non-coding transcript variant (1).
Genome position (GRCh38, 1-based): chr11:17,494,375, T>C on the plus strand (A>G on the coding strand, the complement: USH1C is on the minus strand). VCF-style: chr11-17494375-T-C. GRCh37 (hg19) VCF-style: chr11-17515922-T-C.
Other names: c.1591A>G, p.Thr531Ala (NM_001297764.2); c.1648A>G, p.Thr550Ala (NM_005709.4); short protein forms T550A, D886G, T531A.
Identifiers: ClinVar variation 2059319 (VCV002059319.3), dbSNP rs1055121763, ClinGen allele CA218479360.

ClinVar aggregate classification (germline): Uncertain significance (1 of 4 stars; one submission).

Allele frequency attached by ClinVar (database versions not stated): TOPMed 0.00002.

Submission:

Labcorp Genetics (formerly Invitae), Labcorp
Classification: Uncertain significance. Last evaluated: 2022-07-26. Review status: criteria provided, single submitter. Criteria: Invitae Variant Classification Sherloc (09022015). Collection method: clinical testing. Allele origin: germline.
Comment: This variant has not been reported in the literature in individuals affected with USH1C-related conditions. This variant is not present in population databases (gnomAD no frequency). This sequence change replaces threonine, which is neutral and polar, with alanine, which is neutral and non-polar, at codon 550 of the USH1C protein (p.Thr550Ala). Algorithms developed to predict the effect of missense changes on protein structure and function (SIFT, PolyPhen-2, Align-GVGD) all suggest that this variant is likely to be tolerated. In summary, the available evidence is currently insufficient to determine the role of this variant in disease. Therefore, it has been classified as a Variant of Uncertain Significance.